The following is an entry in ClinVar:

ClinVar aggregate classification (germline): Benign. Review status: criteria provided, multiple submitters, no conflicts (2 of 4 stars). 4 submissions from 4 submitters: Benign (4). Last evaluated 2023-11-12.

Conditions:
Inflammatory skin and bowel disease, neonatal, 1. Identifiers: Orphanet 294023, MedGen C3280501, MONDO:0013693, OMIM 614328.

Allele frequency attached by ClinVar (database versions not stated): 1000 Genomes Project 0.29133; 1000 Genomes Project 30x 0.29372; TOPMed 0.40312; gnomAD 0.41320 and 0.42092.
gnomAD v4.1: 610,878 of 1,310,460 alleles (47%); highest among the groups gnomAD compares: Middle Eastern, 60%; 151,024 homozygotes.

Submissions (4):

Unidad de Genómica Garrahan, Hospital de Pediatría Garrahan
Classification: Benign. Last evaluated: 2023-11-12. Review status: criteria provided, single submitter. Criteria: ACMG Guidelines, 2015. Collection method: clinical testing. Allele origin: germline. Affected: no. Observed: 47 variant alleles.
Comment: This variant is classified as Benign based on local population frequency. This variant was detected in 49% of patients studied by a panel of primary immunodeficiencies. Number of patients: 47. Only high quality variants are reported.

Genome-Nilou Lab
Classification: Benign for Inflammatory skin and bowel disease, neonatal, 1. Last evaluated: 2021-07-14. Review status: criteria provided, single submitter. Criteria: ACMG Guidelines, 2015. Collection method: clinical testing. Allele origin: germline. Affected: no.

GeneDx
Classification: Benign. Last evaluated: 2018-11-10. Review status: criteria provided, single submitter. Criteria: GeneDx Variant Classification Process June 2021. Collection method: clinical testing. Allele origin: germline. Affected: yes.

Breakthrough Genomics
Classification: Benign. Review status: criteria provided, single submitter. Criteria: ACMG Guidelines, 2015. Collection method: not provided. Allele origin: germline. Inheritance: Autosomal recessive inheritance. Affected: yes.

NM_003183.6(ADAM17):c.1545-73G>A

Genes: ADAM17 (ADAM metallopeptidase domain 17; minus strand), IAH1 (isoamyl acetate hydrolyzing esterase 1 (putative); plus strand). Cytogenetic location: 2p25.1.
Variant type: single nucleotide variant.
Coding change: c.1545-73G>A on transcript NM_003183.6 (MANE Select); 73 bases into the intron before coding-DNA position 1545, G replaced by A.
Molecular consequence: intron variant.
Genome position (GRCh38, 1-based): chr2:9,502,349, C>T on the plus strand (G>A on the coding strand, the complement: ADAM17 is on the minus strand). VCF-style: chr2-9502349-C-T. GRCh37 (hg19) VCF-style: chr2-9642478-C-T.
Other names: c.885-73G>A (NM_001382777.1); c.648-73G>A (NM_001382778.1).
Identifiers: ClinVar variation 1188944 (VCV001188944.7), dbSNP rs34367192, ClinGen allele CA10999459.